The following is an entry in ClinVar:

ClinVar aggregate classification (germline): Uncertain significance (1 of 4 stars; one submission).

Conditions:
Periodic fever-infantile enterocolitis-autoinflammatory syndrome. Also called: Autoinflammation with infantile enterocolitis. Identifiers: Orphanet 436166, MedGen C4015067, MONDO:0014472, OMIM 616050.
Familial cold autoinflammatory syndrome 4 (FCAS4). Identifiers: Orphanet 47045, Orphanet 576349, MedGen C4015276, MONDO:0014498, OMIM 616115.

Allele frequency attached by ClinVar (database versions not stated): gnomAD 0.00001; gnomAD exomes below 0.00001.

Submission:

Labcorp Genetics (formerly Invitae), Labcorp
Classification: Uncertain significance for Periodic fever-infantile enterocolitis-autoinflammatory syndrome; Familial cold autoinflammatory syndrome 4. Last evaluated: 2024-11-06. Review status: criteria provided, single submitter. Criteria: Invitae Variant Classification Sherloc (09022015). Collection method: clinical testing. Allele origin: germline.
Comment: This variant, c.1897_1899dup, results in the insertion of 1 amino acid(s) of the NLRC4 protein (p.Gly633dup), but otherwise preserves the integrity of the reading frame. This variant is not present in population databases (gnomAD no frequency). This variant has not been reported in the literature in individuals affected with NLRC4-related conditions. ClinVar contains an entry for this variant (Variation ID: 2073961). In summary, the available evidence is currently insufficient to determine the role of this variant in disease. Therefore, it has been classified as a Variant of Uncertain Significance.

NM_001199138.2(NLRC4):c.1897_1899dup (p.Gly633_Ile634insGly)

Gene: NLRC4 (NLR family CARD domain containing 4; minus strand). Cytogenetic location: 2p22.3.
Variant type: Duplication.
Coding change: c.1897_1899dup on transcript NM_001199138.2 (MANE Select); coding-DNA positions 1897 to 1899, 3 bases duplicated (GGA; older notation c.1897_1899dupGGA).
Protein change: p.Gly633_Ile634insGly.
Molecular consequence: inframe insertion. On other transcripts: inframe indel (2), intron variant (1).
Genome position (GRCh38, 1-based): chr2:32,249,965-32,249,967, TCC duplicated on the plus strand (GGA on the coding strand, the reverse complement: NLRC4 is on the minus strand). VCF-style (leftmost placement, unchanged base first): chr2-32249964-T-TTCC. GRCh37 (hg19) VCF-style: chr2-32475033-T-TTCC.
Other names: c.1897_1899dup, p.Gly633_Ile634insGly (NM_001199139.2, NM_021209.5); c.262+2452_262+2454dup (NM_001302504.1).
Identifiers: ClinVar variation 2073961 (VCV002073961.4), dbSNP rs1687028916, ClinGen allele CA1029023801.